The following is an entry in ClinVar:

ClinVar aggregate classification (germline): Uncertain significance (1 of 4 stars; one submission).

Conditions:
Early-infantile DEE. Also called: Ohtahara syndrome; Early infantile epileptic encephalopathy with suppression bursts; Early infantile epileptic encephalopathy. Identifiers: Orphanet 1934, MedGen C0393706, MONDO:0800491.

Submission:

Labcorp Genetics (formerly Invitae), Labcorp
Classification: Uncertain significance for Early-infantile DEE. Last evaluated: 2020-06-25. Review status: criteria provided, single submitter. Criteria: Invitae Variant Classification Sherloc (09022015). Collection method: clinical testing. Allele origin: germline.
Comment: This variant has not been reported in the literature in individuals with SPTAN1-related conditions. In summary, the available evidence is currently insufficient to determine the role of this variant in disease. Therefore, it has been classified as a Variant of Uncertain Significance. Algorithms developed to predict the effect of missense changes on protein structure and function are either unavailable or do not agree on the potential impact of this missense change (SIFT: "Tolerated"; PolyPhen-2: "Probably Damaging"; Align-GVGD: "Class C15"). This variant is not present in population databases (ExAC no frequency). This sequence change replaces phenylalanine with cysteine at codon 573 of the SPTAN1 protein (p.Phe573Cys). The phenylalanine residue is highly conserved and there is a large physicochemical difference between phenylalanine and cysteine.

NM_001130438.3(SPTAN1):c.1718T>G (p.Phe573Cys)

Gene: SPTAN1 (spectrin alpha, non-erythrocytic 1; plus strand). Cytogenetic location: 9q34.11.
Variant type: single nucleotide variant.
Coding change: c.1718T>G on transcript NM_001130438.3 (MANE Select); coding-DNA position 1718, T replaced by G.
Protein change: p.Phe573Cys; replaces phenylalanine 573 with cysteine.
Molecular consequence: missense variant.
Genome position (GRCh38, 1-based): chr9:128,582,761, T>G. VCF-style: chr9-128582761-T-G. GRCh37 (hg19) VCF-style: chr9-131345040-T-G.
Other names: c.1718T>G, p.Phe573Cys (NM_001195532.2, NM_001363759.2, NM_001363765.2 and 5 more transcripts); c.1754T>G, p.Phe585Cys (NM_001375312.2, NM_001375318.1); short protein forms F573C, F585C.
Identifiers: ClinVar variation 1009549 (VCV001009549.9), dbSNP rs1852105472, ClinGen allele CA375055028.